The following is an entry in ClinVar:

ClinVar aggregate classification (germline): Uncertain significance (1 of 4 stars; one submission).

Submission:

Ambry Genetics
Classification: Uncertain significance. Last evaluated: 2024-01-25. Review status: criteria provided, single submitter. Criteria: Ambry Variant Classification Scheme 2023. Collection method: clinical testing. Allele origin: germline.
Comment: The p.H127Q variant (also known as c.381T>G), located in coding exon 3 of the ALPK2 gene, results from a T to G substitution at nucleotide position 381. The histidine at codon 127 is replaced by glutamine, an amino acid with highly similar properties. This amino acid position is conserved. In addition, this alteration is predicted to be tolerated by in silico analysis. Based on the available evidence, the clinical significance of this alteration remains unclear.

NM_052947.4(ALPK2):c.381T>G (p.His127Gln)

Gene: ALPK2 (alpha kinase 2; minus strand). Cytogenetic location: 18q21.31.
Variant type: single nucleotide variant.
Coding change: c.381T>G on transcript NM_052947.4 (MANE Select); coding-DNA position 381, T replaced by G.
Protein change: p.His127Gln; replaces histidine 127 with glutamine.
Molecular consequence: missense variant.
Genome position (GRCh38, 1-based): chr18:58,580,395, A>C on the plus strand (T>G on the coding strand, the complement: ALPK2 is on the minus strand). VCF-style: chr18-58580395-A-C. GRCh37 (hg19) VCF-style: chr18-56247627-A-C.
Other names: short protein forms H127Q.
Identifiers: ClinVar variation 3228706 (VCV003228706.1), dbSNP rs1568092314, ClinGen allele CA402568101.